The following is an entry in ClinVar:

NM_003924.4(PHOX2B):c.674G>C (p.Gly225Ala)

Gene: PHOX2B (paired like homeobox 2B; minus strand). Cytogenetic location: 4p13.
Variant type: single nucleotide variant.
Coding change: c.674G>C on transcript NM_003924.4 (MANE Select); coding-DNA position 674, G replaced by C.
Protein change: p.Gly225Ala; replaces glycine 225 with alanine.
Molecular consequence: missense variant.
Genome position (GRCh38, 1-based): chr4:41,746,078, C>G on the plus strand (G>C on the coding strand, the complement: PHOX2B is on the minus strand). VCF-style: chr4-41746078-C-G. GRCh37 (hg19) VCF-style: chr4-41748095-C-G.
Other names: short protein forms G225A.
Identifiers: ClinVar variation 3306279 (VCV003306279.1).
Genomic context (GRCh38, chr4:41,746,078, plus strand): 5'-GCCGCTGCTGCTGCGCCGCCCTTGCCGGGTTCGCCTCCCGGGCCCCCGGGCCCCGCCGCC[C>G]CCGGAGCTCCAGCCGGGCTGGGCCCGCCGCCGCCGCCTCCATTCGCCCCGCAGCTGGGGG-3'
Protein context (NP_003915.2, residues 215-235): GGGPSPAGAP[Gly225Ala]AAGPGGPGGE

ClinVar aggregate classification (germline): Uncertain significance (1 of 4 stars; one submission).

Conditions:
Hereditary cancer-predisposing syndrome. Also called: Tumor predisposition; Hereditary Cancer Syndrome; Hereditary neoplastic syndrome; Neoplastic Syndromes, Hereditary. Identifiers: Orphanet 140162, MedGen C0027672, MeSH D009386, MONDO:0015356.

Submission:

Ambry Genetics
Classification: Uncertain significance for Hereditary cancer-predisposing syndrome. Last evaluated: 2024-05-07. Review status: criteria provided, single submitter. Criteria: Ambry Variant Classification Scheme 2023. Collection method: clinical testing. Allele origin: germline.
Comment: The p.G225A variant (also known as c.674G>C), located in coding exon 3 of the PHOX2B gene, results from a G to C substitution at nucleotide position 674. The glycine at codon 225 is replaced by alanine, an amino acid with similar properties. This amino acid position is conserved. In addition, this alteration is predicted to be tolerated by in silico analysis. Based on the available evidence, the clinical significance of this variant remains unclear.